The following is an entry in ClinVar:

NM_201384.3(PLEC):c.934G>A (p.Glu312Lys)

Gene: PLEC (plectin; minus strand). Cytogenetic location: 8q24.3.
Variant type: single nucleotide variant.
Coding change: c.934G>A on transcript NM_201384.3 (MANE Select); coding-DNA position 934, G replaced by A.
Protein change: p.Glu312Lys; replaces glutamic acid 312 with lysine.
Molecular consequence: missense variant.
Genome position (GRCh38, 1-based): chr8:143,934,821, C>T on the plus strand (G>A on the coding strand, the complement: PLEC is on the minus strand). VCF-style: chr8-143934821-C-T. GRCh37 (hg19) VCF-style: chr8-145008989-C-T.
Other names: c.1015G>A (NM_000445.3); c.1015G>A, p.Glu339Lys (NM_000445.5); c.892G>A, p.Glu298Lys (NM_201378.4); c.868G>A, p.Glu290Lys (NM_201379.3); c.1345G>A, p.Glu449Lys (NM_201380.4); c.838G>A, p.Glu280Lys (NM_201381.3); c.934G>A, p.Glu312Lys (NM_201382.4); c.946G>A, p.Glu316Lys (NM_201383.3); short protein forms E290K, E316K, E280K, E298K, E449K, E312K, E339K.
Identifiers: ClinVar variation 570346 (VCV000570346.11), dbSNP rs577853547, ClinGen allele CA4928255.

ClinVar aggregate classification (germline): Uncertain significance. Review status: criteria provided, multiple submitters, no conflicts (2 of 4 stars). 3 submissions from 3 submitters: Uncertain significance (3). Last evaluated 2026-06-28.

Conditions:
PLEC-related disorder. Also called: PLEC-related disorders; PLEC-related condition.
Epidermolysis bullosa simplex 5C, with pyloric atresia (EBS5C). Also called: PLEC-Related Epidermolysis Bullosa with Pyloric Atresia; PLEC1-Related Epidermolysis Bullosa with Pyloric Atresia; Epidermolysis bullosa simplex with pyloric atresia. Identifiers: Orphanet 158684, MedGen C2677349, MONDO:0012807, OMIM 612138.
Epidermolysis bullosa simplex, Ogna type (EBS5A). Also called: Pidermolysis bullosa simplex 5A, Ogna type; EPIDERMOLYSIS BULLOSA SIMPLEX 5A, OGNA TYPE. Identifiers: Orphanet 79401, MedGen C0432317, MONDO:0007555, OMIM 131950.
Epidermolysis bullosa simplex 5B, with muscular dystrophy (EBS5B). Also called: Epidermolysis bullosa simplex with muscular dystrophy; EPIDERMOLYSIS BULLOSA SIMPLEX AND LIMB-GIRDLE MUSCULAR DYSTROPHY. Identifiers: Orphanet 257, MedGen C2931072, MONDO:0009181, OMIM 226670.
Epidermolysis bullosa simplex with nail dystrophy (EBS5D). Identifiers: MedGen C4225309, MONDO:0014661, OMIM 616487.
Autosomal recessive limb-girdle muscular dystrophy type 2Q (LGMDR17). Also called: MUSCULAR DYSTROPHY, LIMB-GIRDLE, AUTOSOMAL RECESSIVE 17. Identifiers: Orphanet 254361, MedGen C3150989, MONDO:0013390, OMIM 613723.

Allele frequency attached by ClinVar (database versions not stated): ExAC 0.00007; 1000 Genomes Project 0.00020; 1000 Genomes Project 30x 0.00031; gnomAD 0.00001; TOPMed 0.00002; gnomAD exomes 0.00005.
gnomAD v4.1: 37 of 1,611,742 alleles (0.0023%); highest among the groups gnomAD compares: Admixed American, 0.015%; no homozygotes.

Submissions (3):

PreventionGenetics, part of Exact Sciences
Classification: Uncertain significance for PLEC-related condition. Last evaluated: 2026-06-28. Review status: criteria provided, single submitter. Criteria: ACMG Guidelines, 2015. Collection method: clinical testing. Allele origin: germline.
Comment: The PLEC c.1015G>A variant is predicted to result in the amino acid substitution p.Glu339Lys. To our knowledge, this variant has not been reported in the literature. This variant is reported in 0.020% of alleles in individuals of Latino descent in gnomAD. At this time, the clinical significance of this variant is uncertain due to the absence of conclusive functional and genetic evidence.

Labcorp Genetics (formerly Invitae), Labcorp
Classification: Uncertain significance for Autosomal recessive limb-girdle muscular dystrophy type 2Q; Epidermolysis bullosa simplex, Ogna type; Epidermolysis bullosa simplex with nail dystrophy; Epidermolysis bullosa simplex 5C, with pyloric atresia; Epidermolysis bullosa simplex 5B, with muscular dystrophy. Last evaluated: 2022-08-21. Review status: criteria provided, single submitter. Criteria: Invitae Variant Classification Sherloc (09022015). Collection method: clinical testing. Allele origin: germline.
Comment: In summary, the available evidence is currently insufficient to determine the role of this variant in disease. Therefore, it has been classified as a Variant of Uncertain Significance. Algorithms developed to predict the effect of missense changes on protein structure and function are either unavailable or do not agree on the potential impact of this missense change (SIFT: "Deleterious"; PolyPhen-2: "Not Available"; Align-GVGD: "Class C0"). ClinVar contains an entry for this variant (Variation ID: 570346). This variant has not been reported in the literature in individuals affected with PLEC-related conditions. This variant is present in population databases (rs577853547, gnomAD 0.02%). This sequence change replaces glutamic acid, which is acidic and polar, with lysine, which is basic and polar, at codon 339 of the PLEC protein (p.Glu339Lys).

Revvity Omics, Revvity
Classification: Uncertain significance. Last evaluated: 2020-05-25. Review status: criteria provided, single submitter. Criteria: ACMG Guidelines, 2015. Collection method: clinical testing. Allele origin: germline.